The following is an entry in ClinVar:

ClinVar aggregate classification (germline): Likely benign (0 of 4 stars; one submission).

Conditions:
COL1A1-related disorder. Also called: COL1A1- related disease; COL1A1-related condition.

gnomAD v4.1: 1 of 1,605,812 alleles (0.000062%); highest among the groups gnomAD compares: Non-Finnish European, 0.000085%; no homozygotes.

Submission:

PreventionGenetics, part of Exact Sciences
Classification: Likely benign for COL1A1-related condition. Last evaluated: 2023-12-27. Review status: no assertion criteria provided. Collection method: clinical testing. Allele origin: germline.
Comment: This variant is classified as likely benign based on ACMG/AMP sequence variant interpretation guidelines (Richards et al. 2015 PMID: 25741868, with internal and published modifications).

NM_000088.4(COL1A1):c.-9G>A

Gene: COL1A1 (collagen type I alpha 1 chain; minus strand). Cytogenetic location: 17q21.33.
Variant type: single nucleotide variant.
Coding change: c.-9G>A on transcript NM_000088.4 (MANE Select); 9 bases upstream of the start codon, G replaced by A.
Molecular consequence: 5 prime UTR variant.
Genome position (GRCh38, 1-based): chr17:50,201,522, C>T on the plus strand (G>A on the coding strand, the complement: COL1A1 is on the minus strand). VCF-style: chr17-50201522-C-T. GRCh37 (hg19) VCF-style: chr17-48278883-C-T.
Identifiers: ClinVar variation 3032142 (VCV003032142.2), dbSNP rs2509267523, ClinGen allele CA2576317827.